The following is an entry in ClinVar:

NM_032242.4(PLXNA1):c.4815G>A (p.Thr1605=)

Gene: PLXNA1 (plexin A1; plus strand). Cytogenetic location: 3q21.3.
Variant type: single nucleotide variant.
Coding change: c.4815G>A on transcript NM_032242.4 (MANE Select); coding-DNA position 4815, G replaced by A.
Protein change: p.Thr1605=; no amino-acid change (threonine 1605 retained).
Molecular consequence: synonymous variant.
Genome position (GRCh38, 1-based): chr3:127,029,481, G>A. VCF-style: chr3-127029481-G-A. GRCh37 (hg19) VCF-style: chr3-126748324-G-A.
Identifiers: ClinVar variation 3354976 (VCV003354976.1).

ClinVar aggregate classification (germline): Likely benign (0 of 4 stars; one submission).

Conditions:
PLXNA1-related disorder. Also called: PLXNA1-related condition.

gnomAD v4.1: 39 of 1,613,810 alleles (0.0024%); highest among the groups gnomAD compares: South Asian, 0.014%; no homozygotes.

Submission:

PreventionGenetics, part of Exact Sciences
Classification: Likely benign for PLXNA1-related condition. Last evaluated: 2024-05-31. Review status: no assertion criteria provided. Collection method: clinical testing. Allele origin: germline.
Comment: This variant is classified as likely benign based on ACMG/AMP sequence variant interpretation guidelines (Richards et al. 2015 PMID: 25741868, with internal and published modifications).